The following is an entry in ClinVar:

ClinVar aggregate classification (germline): Uncertain significance (1 of 4 stars; one submission).

gnomAD v4.1: 51 of 1,607,964 alleles (0.0032%); highest among the groups gnomAD compares: Admixed American, 0.078%; 1 homozygote.

Submission:

Labcorp Genetics (formerly Invitae), Labcorp
Classification: Uncertain significance. Last evaluated: 2024-06-17. Review status: criteria provided, single submitter. Criteria: Invitae Variant Classification Sherloc (09022015). Collection method: clinical testing. Allele origin: germline.
Comment: This sequence change replaces glutamic acid, which is acidic and polar, with aspartic acid, which is acidic and polar, at codon 2004 of the DOCK6 protein (p.Glu2004Asp). This variant is present in population databases (no rsID available, gnomAD 0.04%). This variant has not been reported in the literature in individuals affected with DOCK6-related conditions. ClinVar contains an entry for this variant (Variation ID: 1914082). Advanced modeling of protein sequence and biophysical properties (such as structural, functional, and spatial information, amino acid conservation, physicochemical variation, residue mobility, and thermodynamic stability) performed at Invitae indicates that this missense variant is not expected to disrupt DOCK6 protein function with a negative predictive value of 80%. In summary, the available evidence is currently insufficient to determine the role of this variant in disease. Therefore, it has been classified as a Variant of Uncertain Significance.

NM_020812.4(DOCK6):c.6012G>T (p.Glu2004Asp)

Gene: DOCK6 (dedicator of cytokinesis 6; minus strand). Cytogenetic location: 19p13.2.
Variant type: single nucleotide variant.
Coding change: c.6012G>T on transcript NM_020812.4 (MANE Select); coding-DNA position 6012, G replaced by T.
Protein change: p.Glu2004Asp; replaces glutamic acid 2004 with aspartic acid.
Molecular consequence: missense variant.
Genome position (GRCh38, 1-based): chr19:11,200,397, C>A on the plus strand (G>T on the coding strand, the complement: DOCK6 is on the minus strand). VCF-style: chr19-11200397-C-A. GRCh37 (hg19) VCF-style: chr19-11311073-C-A.
Other names: c.6117G>T, p.Glu2039Asp (NM_001367830.1); short protein forms E2039D, E2004D.
Identifiers: ClinVar variation 1914082 (VCV001914082.4), dbSNP rs1394507560, ClinGen allele CA404069112.